The following is an entry in ClinVar:

NM_003978.5(PSTPIP1):c.908C>T (p.Pro303Leu)

Gene: PSTPIP1 (proline-serine-threonine phosphatase interacting protein 1; plus strand). Cytogenetic location: 15q24.3.
Variant type: single nucleotide variant.
Coding change: c.908C>T on transcript NM_003978.5 (MANE Select); coding-DNA position 908, C replaced by T.
Protein change: p.Pro303Leu; replaces proline 303 with leucine.
Molecular consequence: missense variant. On other transcripts: intron variant (1).
Genome position (GRCh38, 1-based): chr15:77,032,931, C>T. VCF-style: chr15-77032931-C-T. GRCh37 (hg19) VCF-style: chr15-77325272-C-T.
Other names: p.P303L:CCG>CTG; c.908C>T (LRG_172t1, NM_003978.4); c.881C>T, p.Pro294Leu (NM_001321136.2); c.1103C>T, p.Pro368Leu (NM_001321137.1); c.872+503C>T (NM_001321135.2); short protein forms P303L, P294L, P368L.
Identifiers: ClinVar variation 138828 (VCV000138828.34), dbSNP rs189773500, ClinGen allele CA292944.

ClinVar aggregate classification (germline): Benign/Likely benign. Review status: criteria provided, multiple submitters, no conflicts (2 of 4 stars). 8 submissions from 8 submitters: Benign (3); Likely benign (4). 1 of the submissions does not count toward it. Last evaluated 2026-01-07.

Conditions:
PSTPIP1-related disorder. Also called: PSTPIP1-related condition.
Pyogenic arthritis-pyoderma gangrenosum-acne syndrome (PAPA). Also called: PAPA SYNDROME; FAMILIAL RECURRENT ARTHRITIS. Identifiers: Orphanet 69126, MedGen C1858361, MONDO:0011462, OMIM 604416.

Allele frequency attached by ClinVar (database versions not stated): gnomAD exomes 0.00025 and 0.00067; ExAC 0.00120; 1000 Genomes Project 0.00200; 1000 Genomes Project 30x 0.00219; gnomAD 0.00271 and 0.00298; TOPMed 0.00326; ESP Exome Variant Server 0.00353.
gnomAD v4.1: 802 of 1,604,630 alleles (0.05%); highest among the groups gnomAD compares: African/African-American, 0.92%; 5 homozygotes.

Submissions (8):

Labcorp Genetics (formerly Invitae), Labcorp
Classification: Benign for Pyogenic arthritis-pyoderma gangrenosum-acne syndrome. Last evaluated: 2026-01-07. Review status: criteria provided, single submitter. Criteria: Invitae Variant Classification Sherloc (09022015). Collection method: clinical testing. Allele origin: germline.

Women's Health and Genetics/Laboratory Corporation of America, LabCorp
Classification: Likely benign. Last evaluated: 2025-12-02. Review status: criteria provided, single submitter. Criteria: LabCorp Variant Classification Summary - May 2015. Collection method: clinical testing. Allele origin: germline.

CeGaT Center for Human Genetics Tuebingen
Classification: Likely benign. Last evaluated: 2025-11-01. Review status: criteria provided, single submitter. Criteria: CeGaT Center For Human Genetics Tuebingen Variant Classification Criteria Version 2. Collection method: clinical testing. Allele origin: germline. Affected: yes. Observed: 2 variant alleles.
Comment: PSTPIP1: BP4, BS1

ARUP Laboratories, Molecular Genetics and Genomics, ARUP Laboratories
Classification: Likely benign. Last evaluated: 2025-04-11. Review status: criteria provided, single submitter. Criteria: ARUP Molecular Germline Variant Investigation Process 2024. Collection method: clinical testing. Allele origin: germline.

Blueprint Genetics
Classification: Likely benign. Last evaluated: 2024-11-26. Review status: criteria provided, single submitter. Criteria: ACMG Guidelines, 2015. Collection method: clinical testing. Allele origin: germline.

Illumina Laboratory Services, Illumina
Classification: Benign for Pyogenic arthritis-pyoderma gangrenosum-acne syndrome. Last evaluated: 2018-01-13. Review status: criteria provided, single submitter. Criteria: ICSL Variant Classification Criteria 13 December 2019. Collection method: clinical testing. Allele origin: germline.
Comment: This variant was observed in the ICSL laboratory as part of a predisposition screen in an ostensibly healthy population. It had not been previously curated by ICSL or reported in the Human Gene Mutation Database (HGMD: prior to June 1st, 2018), and was therefore a candidate for classification through an automated scoring system. Utilizing variant allele frequency, disease prevalence and penetrance estimates, and inheritance mode, an automated score was calculated to assess if this variant is too frequent to cause the disease. Based on the score and internal cut-off values, a variant classified as benign is not then subjected to further curation. The score for this variant resulted in a classification of benign for this disease.

GeneDx
Classification: Benign. Last evaluated: 2012-12-28. Review status: criteria provided, single submitter. Criteria: GeneDx Variant Classification (06012015). Collection method: clinical testing. Allele origin: germline. Affected: yes.
Comment: This variant is considered likely benign or benign based on one or more of the following criteria: it is a conservative change, it occurs at a poorly conserved position in the protein, it is predicted to be benign by multiple in silico algorithms, and/or has population frequency not consistent with disease.

PreventionGenetics, part of Exact Sciences
Classification: Benign for PSTPIP1-related condition. Last evaluated: 2020-01-31. Review status: no assertion criteria provided. Collection method: clinical testing. Allele origin: germline. Not counted in ClinVar's aggregate classification.
Comment: This variant is classified as benign based on ACMG/AMP sequence variant interpretation guidelines (Richards et al. 2015 PMID: 25741868, with internal and published modifications).